The following is an entry in ClinVar:

ClinVar aggregate classification (germline): Likely benign. Review status: criteria provided, multiple submitters, no conflicts (2 of 4 stars). 3 submissions from 3 submitters: Likely benign (3). Last evaluated 2025-04-17.

Allele frequency attached by ClinVar (database versions not stated): gnomAD 0.00001; gnomAD exomes 0.00001; TOPMed 0.00001.
gnomAD v4.1: 12 of 1,605,410 alleles (0.00075%); highest among the groups gnomAD compares: Middle Eastern, 0.033%; no homozygotes.

Submissions (3):

Labcorp Genetics (formerly Invitae), Labcorp
Classification: Likely benign. Last evaluated: 2025-04-17. Review status: criteria provided, single submitter. Criteria: Invitae Variant Classification Sherloc (09022015). Collection method: clinical testing. Allele origin: germline.

Blueprint Genetics
Classification: Likely benign. Last evaluated: 2023-11-24. Review status: criteria provided, single submitter. Criteria: ACMG Guidelines, 2015. Collection method: clinical testing. Allele origin: germline.

GeneDx
Classification: Likely benign. Last evaluated: 2017-08-21. Review status: criteria provided, single submitter. Criteria: GeneDx Variant Classification (06012015). Collection method: clinical testing. Allele origin: germline. Affected: yes.
Comment: This variant is considered likely benign or benign based on one or more of the following criteria: it is a conservative change, it occurs at a poorly conserved position in the protein, it is predicted to be benign by multiple in silico algorithms, and/or has population frequency not consistent with disease.

NM_001844.5(COL2A1):c.2193+13G>A

Gene: COL2A1 (collagen type II alpha 1 chain; minus strand). Cytogenetic location: 12q13.11.
Variant type: single nucleotide variant.
Coding change: c.2193+13G>A on transcript NM_001844.5 (MANE Select); 13 bases into the intron after coding-DNA position 2193, G replaced by A.
Molecular consequence: intron variant.
Genome position (GRCh38, 1-based): chr12:47,982,835, C>T on the plus strand (G>A on the coding strand, the complement: COL2A1 is on the minus strand). VCF-style: chr12-47982835-C-T. GRCh37 (hg19) VCF-style: chr12-48376618-C-T.
Other names: c.1986+13G>A (NM_033150.3).
Identifiers: ClinVar variation 511625 (VCV000511625.9), dbSNP rs867065694, ClinGen allele CA236524719.